The following is an entry in ClinVar:

NM_005654.6(NR2F1):c.348G>A (p.Arg116=)

Genes: NR2F1 (nuclear receptor subfamily 2 group F member 1; plus strand), NR2F1-AS1 (NR2F1 regulatory antisense RNA 1; minus strand). Cytogenetic location: 5q15.
Variant type: single nucleotide variant.
Coding change: c.348G>A on transcript NM_005654.6 (MANE Select); coding-DNA position 348, G replaced by A.
Protein change: p.Arg116=; no amino-acid change (arginine 116 retained).
Molecular consequence: synonymous variant. On other transcripts: non-coding transcript variant (4).
Genome position (GRCh38, 1-based): chr5:93,585,371, G>A. VCF-style: chr5-93585371-G-A. GRCh37 (hg19) VCF-style: chr5-92921077-G-A.
Other names: p.Arg116=.
Identifiers: ClinVar variation 4684854 (VCV004684854.1).
Genomic context (GRCh38, chr5:93,585,371, plus strand): 5'-GCACTACGGCCAATTCACCTGCGAGGGCTGCAAAAGTTTCTTCAAGAGGAGCGTCCGCAG[G>A]AACTTAACTTACACATGCCGTGCCAACAGGAACTGTCCCATCGACCAGCACCACCGCAAC-3'
Protein context (NP_005645.1, residues 106-126): CKSFFKRSVR[Arg116=]NLTYTCRANR

ClinVar aggregate classification (germline): Likely benign (1 of 4 stars; one submission).

Submission:

Mayo Clinic Laboratories, Mayo Clinic
Classification: Likely benign. Last evaluated: 2025-08-01. Review status: criteria provided, single submitter. Criteria: ACMG Guidelines, 2015. Collection method: clinical testing. Allele origin: germline. Observed: 1 variant allele.
Comment: BS3_supporting, BP4

Literature cited by the submitters: PubMed 32320667.